The following is an entry in ClinVar:

ClinVar aggregate classification (germline): Uncertain significance (1 of 4 stars; one submission).

Submission:

Labcorp Genetics (formerly Invitae), Labcorp
Classification: Uncertain significance. Last evaluated: 2022-02-27. Review status: criteria provided, single submitter. Criteria: Invitae Variant Classification Sherloc (09022015). Collection method: clinical testing. Allele origin: germline.
Comment: In summary, the available evidence is currently insufficient to determine the role of this variant in disease. Therefore, it has been classified as a Variant of Uncertain Significance. Advanced modeling of protein sequence and biophysical properties (such as structural, functional, and spatial information, amino acid conservation, physicochemical variation, residue mobility, and thermodynamic stability) performed at Invitae indicates that this missense variant is not expected to disrupt CACNA1B protein function. This variant has not been reported in the literature in individuals affected with CACNA1B-related conditions. This variant is not present in population databases (gnomAD no frequency). This sequence change replaces valine, which is neutral and non-polar, with leucine, which is neutral and non-polar, at codon 1887 of the CACNA1B protein (p.Val1887Leu).

NM_000718.4(CACNA1B):c.5659G>T (p.Val1887Leu)

Gene: CACNA1B (calcium voltage-gated channel subunit alpha1 B; plus strand). Cytogenetic location: 9q34.3.
Variant type: single nucleotide variant.
Coding change: c.5659G>T on transcript NM_000718.4 (MANE Select); coding-DNA position 5659, G replaced by T.
Protein change: p.Val1887Leu; replaces valine 1887 with leucine.
Molecular consequence: missense variant.
Genome position (GRCh38, 1-based): chr9:138,115,561, G>T. VCF-style: chr9-138115561-G-T. GRCh37 (hg19) VCF-style: chr9-141010013-G-T.
Other names: c.5659G>T, p.Val1887Leu (NM_001243812.2); short protein forms V1887L.
Identifiers: ClinVar variation 2103928 (VCV002103928.4), dbSNP rs1961824120, ClinGen allele CA375816541.